The following is an entry in ClinVar:

NM_001127222.2(CACNA1A):c.6281C>T (p.Pro2094Leu)

Gene: CACNA1A (calcium voltage-gated channel subunit alpha1 A; minus strand). Cytogenetic location: 19p13.13.
Variant type: single nucleotide variant.
Coding change: c.6281C>T on transcript NM_001127222.2 (MANE Select); coding-DNA position 6281, C replaced by T.
Protein change: p.Pro2094Leu; replaces proline 2094 with leucine.
Molecular consequence: missense variant.
Genome position (GRCh38, 1-based): chr19:13,212,125, G>A on the plus strand (C>T on the coding strand, the complement: CACNA1A is on the minus strand). VCF-style: chr19-13212125-G-A. GRCh37 (hg19) VCF-style: chr19-13322939-G-A.
Other names: c.6299C>T, p.Pro2100Leu (NM_000068.4, NM_023035.3); c.6284C>T, p.Pro2095Leu (NM_001127221.2); c.6290C>T, p.Pro2097Leu (NM_001174080.2); c.6284C>T (NM_000068.2); short protein forms P2097L, P2094L, P2095L, P2100L.
Identifiers: ClinVar variation 656353 (VCV000656353.15), dbSNP rs769128653, ClinGen allele CA9239414.

ClinVar aggregate classification (germline): Uncertain significance. Review status: criteria provided, multiple submitters, no conflicts (2 of 4 stars). 3 submissions from 3 submitters: Uncertain significance (3). Last evaluated 2025-09-22.

Conditions:
CACNA1A-related disorder. Also called: CACNA1A-related condition.
Developmental and epileptic encephalopathy, 42 (DEE42A). Also called: Epileptic encephalopathy, early infantile, 42; DEVELOPMENTAL AND EPILEPTIC ENCEPHALOPATHY 42A; EPILEPTIC ENCEPHALOPATHY, EARLY INFANTILE, 42A. Identifiers: MedGen C4310716, MONDO:0014917, OMIM 617106.
Episodic ataxia type 2 (EA2). Also called: CEREBELLAR ATAXIA, PAROXYSMAL, ACETAZOLAMIDE-RESPONSIVE; CEREBELLOPATHY, HEREDITARY PAROXYSMAL; EPISODIC ATAXIA, NYSTAGMUS-ASSOCIATED; ATAXIA, EPISODIC, WITH NYSTAGMUS; ATAXIA, FAMILIAL PAROXYSMAL; ACETAZOLAMIDE-RESPONSIVE HEREDITARY PAROXYSMAL CEREBELLAR ATAXIA. Identifiers: Orphanet 97, MedGen C1720416, MONDO:0007163, OMIM 108500.
Inborn genetic diseases. Identifiers: MedGen C0950123, MeSH D030342.

Allele frequency attached by ClinVar (database versions not stated): gnomAD 0.00001; gnomAD exomes 0.00001 and 0.00002; TOPMed 0.00001; ExAC 0.00002.
gnomAD v4.1: 24 of 1,612,778 alleles (0.0015%); highest among the groups gnomAD compares: Non-Finnish European, 0.002%; no homozygotes.

Submissions (3):

Labcorp Genetics (formerly Invitae), Labcorp
Classification: Uncertain significance for Developmental and epileptic encephalopathy, 42; Episodic ataxia type 2. Last evaluated: 2025-09-22. Review status: criteria provided, single submitter. Criteria: Invitae Variant Classification Sherloc (09022015). Collection method: clinical testing. Allele origin: germline.
Comment: This sequence change replaces proline, which is neutral and non-polar, with leucine, which is neutral and non-polar, at codon 2095 of the CACNA1A protein (p.Pro2095Leu). This variant is present in population databases (rs769128653, gnomAD 0.003%). This variant has not been reported in the literature in individuals affected with CACNA1A-related conditions. ClinVar contains an entry for this variant (Variation ID: 656353). Invitae Evidence Modeling of protein sequence and biophysical properties (such as structural, functional, and spatial information, amino acid conservation, physicochemical variation, residue mobility, and thermodynamic stability) has been performed for this missense variant. However, the output from this modeling did not meet the statistical confidence thresholds required to predict the impact of this variant on CACNA1A protein function. In summary, the available evidence is currently insufficient to determine the role of this variant in disease. Therefore, it has been classified as a Variant of Uncertain Significance.

Ambry Genetics
Classification: Uncertain significance for Inborn genetic diseases. Last evaluated: 2022-11-17. Review status: criteria provided, single submitter. Criteria: Ambry Variant Classification Scheme 2023. Collection method: clinical testing. Allele origin: germline.

GeneDx
Classification: Uncertain significance. Last evaluated: 2020-12-16. Review status: criteria provided, single submitter. Criteria: GeneDx Variant Classification Process June 2021. Collection method: clinical testing. Allele origin: germline. Affected: yes.
Comment: Not observed at a significant frequency in large population cohorts (Lek et al., 2016); In silico analysis supports that this missense variant has a deleterious effect on protein structure/function; Has not been previously published as pathogenic or benign to our knowledge